The following is an entry in ClinVar:

ClinVar aggregate classification (germline): Uncertain significance (1 of 4 stars; one submission).

Conditions:
HNF1B-related disorder. Also called: HNF1B-related condition; HNF1B-related disorders.

Submission:

PreventionGenetics, part of Exact Sciences
Classification: Uncertain significance for HNF1B-related condition. Last evaluated: 2026-04-08. Review status: criteria provided, single submitter. Criteria: ACMG Guidelines, 2015. Collection method: clinical testing. Allele origin: germline.
Comment: The HNF1B c.706T>G variant is predicted to result in the amino acid substitution p.Phe236Val. To our knowledge, this variant has not been reported in the literature or in a large population database (gnomAD), indicating this variant is rare. At this time, the clinical significance of this variant is uncertain due to the absence of conclusive functional and genetic evidence.

NM_000458.4(HNF1B):c.706T>G (p.Phe236Val)

Genes: HNF1B (HNF1 homeobox B; minus strand), LOC126862549 (BRD4-independent group 4 enhancer GRCh37_chr17:36093401-36094600; plus strand). Cytogenetic location: 17q12.
Variant type: single nucleotide variant.
Coding change: c.706T>G on transcript NM_000458.4 (MANE Select); coding-DNA position 706, T replaced by G.
Protein change: p.Phe236Val; replaces phenylalanine 236 with valine.
Molecular consequence: missense variant.
Genome position (GRCh38, 1-based): chr17:37,733,660, A>C on the plus strand (T>G on the coding strand, the complement: HNF1B is on the minus strand). VCF-style: chr17-37733660-A-C. GRCh37 (hg19) VCF-style: chr17-36093653-A-C.
Other names: c.628T>G, p.Phe210Val (NM_001165923.4, NM_001304286.2); c.706T>G, p.Phe236Val (NM_001411100.1); short protein forms F236V, F210V.
Identifiers: ClinVar variation 5001044 (VCV005001044.1).